The following is an entry in ClinVar:

ClinVar aggregate classification (germline): Uncertain significance. Review status: criteria provided, multiple submitters, no conflicts (2 of 4 stars). 3 submissions from 3 submitters: Uncertain significance (3). Last evaluated 2024-01-02.

Conditions:
Alstrom syndrome (ALMS). Identifiers: Orphanet 64, MedGen C0268425, MONDO:0008763, OMIM 203800.
Cardiovascular phenotype. Identifiers: MedGen CN230736.

Allele frequency attached by ClinVar (database versions not stated): gnomAD 0.00001; TOPMed 0.00002.
gnomAD v4.1: 2 of 1,612,902 alleles (0.00012%); highest among the groups gnomAD compares: Non-Finnish European, 0.00017%; no homozygotes.

Submissions (3):

Ambry Genetics
Classification: Uncertain significance for Cardiovascular phenotype. Last evaluated: 2024-01-02. Review status: criteria provided, single submitter. Criteria: Ambry Variant Classification Scheme 2023. Collection method: clinical testing. Allele origin: germline.
Comment: The p.E453K variant (also known as c.1357G>A), located in coding exon 7 of the ALMS1 gene, results from a G to A substitution at nucleotide position 1357. The glutamic acid at codon 453 is replaced by lysine, an amino acid with similar properties. This amino acid position is well conserved in available vertebrate species. In addition, this alteration is predicted to be tolerated by in silico analysis. Since supporting evidence is limited at this time, the clinical significance of this alteration remains unclear.

Labcorp Genetics (formerly Invitae), Labcorp
Classification: Uncertain significance for Alstrom syndrome. Last evaluated: 2022-09-06. Review status: criteria provided, single submitter. Criteria: Invitae Variant Classification Sherloc (09022015). Collection method: clinical testing. Allele origin: germline.
Comment: This sequence change replaces glutamic acid, which is acidic and polar, with lysine, which is basic and polar, at codon 453 of the ALMS1 protein (p.Glu453Lys). This variant is not present in population databases (gnomAD no frequency). This variant has not been reported in the literature in individuals affected with ALMS1-related conditions. ClinVar contains an entry for this variant (Variation ID: 1007650). In summary, the available evidence is currently insufficient to determine the role of this variant in disease. Therefore, it has been classified as a Variant of Uncertain Significance.

Fulgent Genetics
Classification: Uncertain significance for Alstrom syndrome. Last evaluated: 2021-08-11. Review status: criteria provided, single submitter. Criteria: ACMG Guidelines, 2015. Collection method: clinical testing. Allele origin: unknown.

NM_001378454.1(ALMS1):c.1354G>A (p.Glu452Lys)

Gene: ALMS1 (ALMS1 centrosome and basal body associated protein; plus strand). Cytogenetic location: 2p13.1.
Variant type: single nucleotide variant.
Coding change: c.1354G>A on transcript NM_001378454.1 (MANE Select); coding-DNA position 1354, G replaced by A.
Protein change: p.Glu452Lys; replaces glutamic acid 452 with lysine.
Molecular consequence: missense variant.
Genome position (GRCh38, 1-based): chr2:73,432,213, G>A. VCF-style: chr2-73432213-G-A. GRCh37 (hg19) VCF-style: chr2-73659341-G-A.
Other names: c.1357G>A, p.Glu453Lys (NM_015120.4); short protein forms E452K, E453K.
Identifiers: ClinVar variation 1007650 (VCV001007650.7), dbSNP rs1232628050, ClinGen allele CA347262478.
Genomic context (GRCh38, chr2:73,432,213, plus strand): 5'-AATGAGTCTTTTTCATTTTTATTGCCTTCATTTGTTCCACATAAGCCAACAAGAGAGTCG[G>A]AATATCACTCTTCAGATCTCAGAATGTTGAGGATGTCTCCTGACACTGTGCCAAAGGCTC-3'
Protein context (NP_001365383.1, residues 442-462): ELQRKPTRES[Glu452Lys]YHSSDLRMLR